The following is an entry in ClinVar:

ClinVar aggregate classification (germline): Uncertain significance. Review status: criteria provided, multiple submitters, no conflicts (2 of 4 stars). 2 submissions from 2 submitters: Uncertain significance (2). Last evaluated 2023-07-28.

Conditions:
Renal cell carcinoma. Identifiers: Orphanet 217071, MedGen C0007134, MeSH D002292, MONDO:0005086, HP:0005584.
Hereditary cancer-predisposing syndrome. Also called: Neoplastic Syndromes, Hereditary; Tumor predisposition; Hereditary neoplastic syndrome; Hereditary Cancer Syndrome. Identifiers: Orphanet 140162, MedGen C0027672, MeSH D009386, MONDO:0015356.

Allele frequency attached by ClinVar (database versions not stated): gnomAD exomes below 0.00001.
gnomAD v4.1: 1 of 1,614,020 alleles (0.000062%); highest among the groups gnomAD compares: South Asian, 0.0011%; no homozygotes.

Submissions (2):

Labcorp Genetics (formerly Invitae), Labcorp
Classification: Uncertain significance for Renal cell carcinoma. Last evaluated: 2023-07-28. Review status: criteria provided, single submitter. Criteria: Invitae Variant Classification Sherloc (09022015). Collection method: clinical testing. Allele origin: germline.
Comment: This sequence change replaces leucine, which is neutral and non-polar, with valine, which is neutral and non-polar, at codon 120 of the MET protein (p.Leu120Val). In summary, the available evidence is currently insufficient to determine the role of this variant in disease. Therefore, it has been classified as a Variant of Uncertain Significance. Advanced modeling of protein sequence and biophysical properties (such as structural, functional, and spatial information, amino acid conservation, physicochemical variation, residue mobility, and thermodynamic stability) performed at Invitae indicates that this missense variant is expected to disrupt MET protein function. ClinVar contains an entry for this variant (Variation ID: 2453423). This variant has not been reported in the literature in individuals affected with MET-related conditions. This variant is not present in population databases (gnomAD no frequency).

Ambry Genetics
Classification: Uncertain significance for Hereditary cancer-predisposing syndrome. Last evaluated: 2023-02-27. Review status: criteria provided, single submitter. Criteria: Ambry Variant Classification Scheme 2023. Collection method: clinical testing. Allele origin: germline.
Comment: The p.L120V variant (also known as c.358C>G), located in coding exon 1 of the MET gene, results from a C to G substitution at nucleotide position 358. The leucine at codon 120 is replaced by valine, an amino acid with highly similar properties. This amino acid position is conserved. In addition, this alteration is predicted to be tolerated by in silico analysis. Since supporting evidence is limited at this time, the clinical significance of this alteration remains unclear.

NM_000245.4(MET):c.358C>G (p.Leu120Val)

Gene: MET (MET proto-oncogene, receptor tyrosine kinase; plus strand). Cytogenetic location: 7q31.2.
Variant type: single nucleotide variant.
Coding change: c.358C>G on transcript NM_000245.4 (MANE Select); coding-DNA position 358, C replaced by G.
Protein change: p.Leu120Val; replaces leucine 120 with valine.
Molecular consequence: missense variant. On other transcripts: intron variant (1).
Genome position (GRCh38, 1-based): chr7:116,699,442, C>G. VCF-style: chr7-116699442-C-G. GRCh37 (hg19) VCF-style: chr7-116339496-C-G.
Other names: c.358C>G, p.Leu120Val (NM_001127500.3, NM_001324401.3); c.-91+26865C>G (NM_001324402.2); short protein forms L120V.
Identifiers: ClinVar variation 2453423 (VCV002453423.5), dbSNP rs2116586812, ClinGen allele CA368968902.